The following is an entry in ClinVar:

ClinVar aggregate classification (germline): Likely benign. Review status: criteria provided, multiple submitters, no conflicts (2 of 4 stars). 2 submissions from 2 submitters: Likely benign (2). Last evaluated 2025-01-09.

Submissions (2):

Women's Health and Genetics/Laboratory Corporation of America, LabCorp
Classification: Likely benign. Last evaluated: 2025-01-09. Review status: criteria provided, single submitter. Criteria: LabCorp Variant Classification Summary - May 2015. Collection method: clinical testing. Allele origin: germline.
Comment: Variant summary: HBB c.316-99delT is located at a position not widely known to affect splicing. Consensus agreement among computation tools predict no significant impact on normal splicing. However, these predictions have yet to be confirmed by functional studies. The variant was absent in 31400 control chromosomes. The available data on variant occurrences in the general population are insufficient to allow any conclusion about variant significance. To our knowledge, no occurrence of c.316-99delT in individuals affected with Hemoglobinopathy and no experimental evidence demonstrating its impact on protein function have been reported. ClinVar contains an entry for this variant (Variation ID: 981076). Based on the evidence outlined above, the variant was classified as likely benign.

Labcorp Genetics (formerly Invitae), Labcorp
Classification: Likely benign. Last evaluated: 2024-01-17. Review status: criteria provided, single submitter. Criteria: Invitae Variant Classification Sherloc (09022015). Collection method: clinical testing. Allele origin: germline.

NM_000518.5(HBB):c.316-99del

Genes: HBB (hemoglobin subunit beta; minus strand), LOC107133510 (origin of replication at HBB; plus strand), LOC110006319 (beta-globin gene 3' regulatory region; plus strand). Cytogenetic location: 11p15.4.
Variant type: Deletion.
Coding change: c.316-99del on transcript NM_000518.5 (MANE Select); 99 bases into the intron before coding-DNA position 316, one base deleted (T; older notation c.316-99delT).
Molecular consequence: intron variant.
Genome position (GRCh38, 1-based): chr11:5,225,825, A deleted on the plus strand (T on the coding strand, the reverse complement: HBB is on the minus strand); the first of 2 consecutive A bases (chr11:5,225,825-5,225,826); deleting either gives the same sequence. VCF-style (leftmost placement, unchanged base first): chr11-5225824-GA-G. GRCh37 (hg19) VCF-style: chr11-5247054-GA-G.
Other names: c.316-99delT (NM_000518.5).
Identifiers: ClinVar variation 981076 (VCV000981076.12), dbSNP rs1257175417, ClinGen allele CA677552541.